The following is an entry in ClinVar:

NM_000342.4(SLC4A1):c.706T>G (p.Phe236Val)

Gene: SLC4A1 (solute carrier family 4 member 1 (Diego blood group); minus strand). Cytogenetic location: 17q21.31.
Variant type: single nucleotide variant.
Coding change: c.706T>G on transcript NM_000342.4 (MANE Select); coding-DNA position 706, T replaced by G.
Protein change: p.Phe236Val; replaces phenylalanine 236 with valine.
Molecular consequence: missense variant.
Genome position (GRCh38, 1-based): chr17:44,259,333, A>C on the plus strand (T>G on the coding strand, the complement: SLC4A1 is on the minus strand). VCF-style: chr17-44259333-A-C. GRCh37 (hg19) VCF-style: chr17-42336701-A-C.
Other names: short protein forms F236V.
Identifiers: ClinVar variation 889579 (VCV000889579.13), dbSNP rs141605301, ClinGen allele CA8600487.

ClinVar aggregate classification (germline): Conflicting classifications of pathogenicity. Review status: criteria provided, conflicting classifications (1 of 4 stars). 6 submissions from 4 submitters: Uncertain significance (5); Benign (1). Last evaluated 2025-12-02.

Conditions:
SLC4A1-related disorder. Also called: SLC4A1-related disorders; SLC4A1-related condition.
Hereditary spherocytosis type 4. Also called: SLC4A1-Related Spherocytosis. Identifiers: Orphanet 822, MedGen C2675212, MONDO:0012981, OMIM 612653.
Autosomal dominant distal renal tubular acidosis (DRTA1). Also called: RENAL TUBULAR ACIDOSIS, DISTAL, 1; Renal Tubular Acidosis, Type I; RTA, CLASSIC TYPE; RTA, DISTAL TYPE, AUTOSOMAL DOMINANT; RTA, GRADIENT TYPE. Identifiers: Orphanet 93608, MedGen CN280572, MONDO:0008368, OMIM 179800.
Renal tubular acidosis, distal, 4, with hemolytic anemia. Also called: Renal Tubular Acidosis, Distal, with Hemolytic Anemia. Identifiers: Orphanet 93610, MedGen C5436235, MONDO:0012700, OMIM 611590.
Hemolytic anemia. Identifiers: MedGen C0002878, MONDO:0003664, HP:0001878.

Allele frequency attached by ClinVar (database versions not stated): ExAC 0.00019; ESP Exome Variant Server 0.00023; gnomAD 0.00005; TOPMed 0.00005; gnomAD exomes 0.00008 and 0.00011.
gnomAD v4.1: 127 of 1,613,600 alleles (0.0079%); highest among the groups gnomAD compares: Non-Finnish European, 0.0093%; no homozygotes.

Submissions (6):

PreventionGenetics, part of Exact Sciences
Classification: Uncertain significance for SLC4A1-related condition. Last evaluated: 2025-12-02. Review status: criteria provided, single submitter. Criteria: ACMG Guidelines, 2015. Collection method: clinical testing. Allele origin: germline.
Comment: The SLC4A1 c.706T>G variant is predicted to result in the amino acid substitution p.Phe236Val. This variant was reported in an individual with urinary stone disease (Cogal et al. 2021. PubMed ID: 34805638). This variant is reported in 0.021% of alleles in individuals of European (Non-Finnish) descent in gnomAD. At this time, the clinical significance of this variant is uncertain due to the absence of conclusive functional and genetic evidence.

Rare Kidney Stone Consortium and the Mayo Clinic Hyperoxaluria Center, Mayo Clinic
Classification: Uncertain significance for Renal tubular acidosis, distal, 4, with hemolytic anemia; Autosomal dominant distal renal tubular acidosis. Last evaluated: 2025-05-01. Review status: criteria provided, single submitter. Criteria: ACMG Guidelines, 2015. Collection method: research. Allele origin: germline.
Comment: ACMG: PP3

heterozygote

Labcorp Genetics (formerly Invitae), Labcorp
Classification: Uncertain significance. Last evaluated: 2024-10-22. Review status: criteria provided, single submitter. Criteria: Invitae Variant Classification Sherloc (09022015). Collection method: clinical testing. Allele origin: germline.
Comment: This sequence change replaces phenylalanine, which is neutral and non-polar, with valine, which is neutral and non-polar, at codon 236 of the SLC4A1 protein (p.Phe236Val). This variant is present in population databases (rs141605301, gnomAD 0.02%). This missense change has been observed in individual(s) with urinary stone disease (PMID: 34805638). ClinVar contains an entry for this variant (Variation ID: 889579). Invitae Evidence Modeling of protein sequence and biophysical properties (such as structural, functional, and spatial information, amino acid conservation, physicochemical variation, residue mobility, and thermodynamic stability) indicates that this missense variant is not expected to disrupt SLC4A1 protein function with a negative predictive value of 80%. In summary, the available evidence is currently insufficient to determine the role of this variant in disease. Therefore, it has been classified as a Variant of Uncertain Significance.

Illumina Laboratory Services, Illumina
Classification: Uncertain significance for Hemolytic anemia. Last evaluated: 2018-01-13. Review status: criteria provided, single submitter. Criteria: ICSL Variant Classification Criteria 13 December 2019. Collection method: clinical testing. Allele origin: germline.

Illumina Laboratory Services, Illumina
Classification: Benign for Autosomal dominant distal renal tubular acidosis. Last evaluated: 2018-01-13. Review status: criteria provided, single submitter. Criteria: ICSL Variant Classification Criteria 13 December 2019. Collection method: clinical testing. Allele origin: germline.
Comment: This variant was observed in the ICSL laboratory as part of a predisposition screen in an ostensibly healthy population. It had not been previously curated by ICSL or reported in the Human Gene Mutation Database (HGMD: prior to June 1st, 2018), and was therefore a candidate for classification through an automated scoring system. Utilizing variant allele frequency, disease prevalence and penetrance estimates, and inheritance mode, an automated score was calculated to assess if this variant is too frequent to cause the disease. Based on the score and internal cut-off values, a variant classified as benign is not then subjected to further curation. The score for this variant resulted in a classification of benign for this disease.

Illumina Laboratory Services, Illumina
Classification: Uncertain significance for Hereditary spherocytosis type 4. Last evaluated: 2018-01-13. Review status: criteria provided, single submitter. Criteria: ICSL Variant Classification Criteria 13 December 2019. Collection method: clinical testing. Allele origin: germline.

Literature cited by the submitters: PubMed 34805638 (cited by Rare Kidney Stone Consortium and the Mayo Clinic Hyperoxaluria Center, Mayo Clinic and Labcorp Genetics (formerly Invitae), Labcorp).